The following is an entry in ClinVar:

ClinVar aggregate classification (germline): Benign/Likely benign. Review status: criteria provided, multiple submitters, no conflicts (2 of 4 stars). 6 submissions from 6 submitters: Benign (2); Likely benign (3). 1 of the submissions does not count toward it. Last evaluated 2026-04-15.

Conditions:
AEBP1-related disorder. Also called: AEBP1-related condition.

Allele frequency attached by ClinVar (database versions not stated): ExAC 0.00033; gnomAD exomes 0.00033; ESP Exome Variant Server 0.00123; gnomAD 0.00131 and 0.00133; 1000 Genomes Project 30x 0.00172; TOPMed 0.00178; 1000 Genomes Project 0.00180.
gnomAD v4.1: 399 of 1,613,924 alleles (0.025%); highest among the groups gnomAD compares: African/African-American, 0.45%; 1 homozygote.

Submissions (6):

Women's Health and Genetics/Laboratory Corporation of America, LabCorp
Classification: Likely benign. Last evaluated: 2026-04-15. Review status: criteria provided, single submitter. Criteria: LabCorp Variant Classification Summary - May 2015. Collection method: clinical testing. Allele origin: germline.

CeGaT Center for Human Genetics Tuebingen
Classification: Likely benign. Last evaluated: 2026-02-01. Review status: criteria provided, single submitter. Criteria: CeGaT Center For Human Genetics Tuebingen Variant Classification Criteria Version 2. Collection method: clinical testing. Allele origin: germline. Affected: yes. Observed: 1 variant allele.
Comment: AEBP1: BP4, BP7

Labcorp Genetics (formerly Invitae), Labcorp
Classification: Benign. Last evaluated: 2026-01-28. Review status: criteria provided, single submitter. Criteria: Invitae Variant Classification Sherloc (09022015). Collection method: clinical testing. Allele origin: germline.

Mayo Clinic Laboratories, Mayo Clinic
Classification: Benign. Last evaluated: 2025-08-05. Review status: criteria provided, single submitter. Criteria: ACMG Guidelines, 2015. Collection method: clinical testing. Allele origin: germline. Observed: 1 variant allele.
Comment: BA1, BP4, BP7

Blueprint Genetics
Classification: Likely benign. Last evaluated: 2024-10-09. Review status: criteria provided, single submitter. Criteria: ACMG Guidelines, 2015. Collection method: clinical testing. Allele origin: germline.

PreventionGenetics, part of Exact Sciences
Classification: Likely benign for AEBP1-related condition. Last evaluated: 2024-02-20. Review status: no assertion criteria provided. Collection method: clinical testing. Allele origin: germline. Not counted in ClinVar's aggregate classification.
Comment: This variant is classified as likely benign based on ACMG/AMP sequence variant interpretation guidelines (Richards et al. 2015 PMID: 25741868, with internal and published modifications).

NM_001129.5(AEBP1):c.1575C>G (p.Leu525=)

Gene: AEBP1 (AE binding protein 1; plus strand). Cytogenetic location: 7p13.
Variant type: single nucleotide variant.
Coding change: c.1575C>G on transcript NM_001129.5 (MANE Select); coding-DNA position 1575, C replaced by G.
Protein change: p.Leu525=; no amino-acid change (leucine 525 retained).
Molecular consequence: synonymous variant.
Genome position (GRCh38, 1-based): chr7:44,111,002, C>G. VCF-style: chr7-44111002-C-G. GRCh37 (hg19) VCF-style: chr7-44150601-C-G.
Other names: p.Leu525=; c.1575C>G (NM_001129.4).
Identifiers: ClinVar variation 1656307 (VCV001656307.17), dbSNP rs75738447, ClinGen allele CA4237934.